The following is an entry in ClinVar:

NM_000271.5(NPC1):c.123T>C (p.Asn41=)

Gene: NPC1 (NPC intracellular cholesterol transporter 1; minus strand). Cytogenetic location: 18q11.2.
Variant type: single nucleotide variant.
Coding change: c.123T>C on transcript NM_000271.5 (MANE Select); coding-DNA position 123, T replaced by C.
Protein change: p.Asn41=; no amino-acid change (asparagine 41 retained).
Molecular consequence: synonymous variant.
Genome position (GRCh38, 1-based): chr18:23,573,509, A>G on the plus strand (T>C on the coding strand, the complement: NPC1 is on the minus strand). VCF-style: chr18-23573509-A-G. GRCh37 (hg19) VCF-style: chr18-21153473-A-G.
Identifiers: ClinVar variation 703686 (VCV000703686.16), dbSNP rs777848348, ClinGen allele CA8913821.

ClinVar aggregate classification (germline): Likely benign. Review status: criteria provided, multiple submitters, no conflicts (2 of 4 stars). 4 submissions from 4 submitters: Likely benign (3). 1 of the submissions does not count toward it. Last evaluated 2025-09-21.

Conditions:
Niemann-Pick disease, type C1. Also called: NEUROVISCERAL STORAGE DISEASE WITH VERTICAL SUPRANUCLEAR OPHTHALMOPLEGIA; NIEMANN-PICK DISEASE WITH CHOLESTEROL ESTERIFICATION BLOCK; NIEMANN-PICK DISEASE WITHOUT SPHINGOMYELINASE DEFICIENCY; NIEMANN-PICK DISEASE, CHRONIC NEURONOPATHIC FORM; NIEMANN-PICK DISEASE, VARIANT TYPE C1. Identifiers: Orphanet 646, MedGen C3179455, MONDO:0009757, OMIM 257220.
NPC1-related disorder. Also called: NPC1-related condition.
Inborn genetic diseases. Identifiers: MedGen C0950123, MeSH D030342.

Allele frequency attached by ClinVar (database versions not stated): TOPMed 0.00002; ExAC 0.00003; gnomAD 0.00003 and 0.00004; gnomAD exomes 0.00003 and 0.00004.
gnomAD v4.1: 60 of 1,614,152 alleles (0.0037%); highest among the groups gnomAD compares: Non-Finnish European, 0.0045%; no homozygotes.

Submissions (4):

Labcorp Genetics (formerly Invitae), Labcorp
Classification: Likely benign for Niemann-Pick disease, type C1. Last evaluated: 2025-09-21. Review status: criteria provided, single submitter. Criteria: Invitae Variant Classification Sherloc (09022015). Collection method: clinical testing. Allele origin: germline.

PreventionGenetics, part of Exact Sciences
Classification: Likely benign for NPC1-related condition. Last evaluated: 2025-03-20. Review status: criteria provided, single submitter. Criteria: ACMG Guidelines, 2015. Collection method: clinical testing. Allele origin: germline.
Comment: This variant is classified as likely benign based on ACMG/AMP sequence variant interpretation guidelines (Richards et al. 2015 PMID: 25741868, with internal and published modifications).

Ambry Genetics
Classification: Likely benign for Inborn genetic diseases. Last evaluated: 2024-03-10. Review status: criteria provided, single submitter. Criteria: Ambry Variant Classification Scheme 2023. Collection method: clinical testing. Allele origin: germline.

Natera, Inc.
Classification: Likely benign for Niemann-Pick disease type C1. Last evaluated: 2020-01-24. Review status: no assertion criteria provided. Collection method: clinical testing. Allele origin: germline. Not counted in ClinVar's aggregate classification.